The following is an entry in ClinVar:

NM_000046.5(ARSB):c.1214-2A>G

Gene: ARSB (arylsulfatase B; minus strand). Cytogenetic location: 5q14.1.
Variant type: single nucleotide variant.
Coding change: c.1214-2A>G on transcript NM_000046.5 (MANE Select); the canonical splice acceptor site of the intron before coding-DNA position 1214, A replaced by G.
Molecular consequence: splice acceptor variant.
Genome position (GRCh38, 1-based): chr5:78,781,976, T>C on the plus strand (A>G on the coding strand, the complement: ARSB is on the minus strand). VCF-style: chr5-78781976-T-C. GRCh37 (hg19) VCF-style: chr5-78077799-T-C.
Identifiers: ClinVar variation 559693 (VCV000559693.2), dbSNP rs1554069808, ClinGen allele CA360340334.

ClinVar aggregate classification (germline): Likely pathogenic. Review status: criteria provided, multiple submitters, no conflicts (2 of 4 stars). 2 submissions from 2 submitters: Likely pathogenic (2). Last evaluated 2022-06-27.

Conditions:
Mucopolysaccharidosis type 6 (MPS6). Also called: N-ACETYLGALACTOSAMINE-4-SULFATASE DEFICIENCY; MPS VI; MPS 6; Maroteaux Lamy syndrome; ARSB DEFICIENCY; ARYLSULFATASE B DEFICIENCY. Identifiers: Orphanet 583, MedGen C0026709, MONDO:0009661, OMIM 253200.

Allele frequency attached by ClinVar (database versions not stated): gnomAD exomes below 0.00001.
gnomAD v4.1: 2 of 1,614,116 alleles (0.00012%); highest among the groups gnomAD compares: Non-Finnish European, 0.00017%; no homozygotes.

Submissions (2):

Women's Health and Genetics/Laboratory Corporation of America, LabCorp
Classification: Likely pathogenic for Mucopolysaccharidosis type 6. Last evaluated: 2022-06-27. Review status: criteria provided, single submitter. Criteria: LabCorp Variant Classification Summary - May 2015. Collection method: clinical testing. Allele origin: germline.
Comment: Variant summary: ARSB c.1214-2A>G is located in a canonical splice-site and is predicted to affect mRNA splicing resulting in a significantly altered protein due to either exon skipping, shortening, or inclusion of intronic material. Several computational tools predict a significant impact on normal splicing: Four predict the variant abolishes the canonical 3' splice acceptor site. Four predict the variant strengthens an alternate cryptic exonic 3' splice acceptor site. However, these predictions have yet to be confirmed by functional studies. The variant was absent in 251412 control chromosomes. c.1214-2A>G has been reported in the literature as a compound heterozygous genotype in at-least one individual affected with Mucopolysaccharidosis Type VI (Maroteaux-Lamy Syndrome) (example, Karageorgos_2007). To our knowledge, no experimental evidence demonstrating an impact on protein function has been reported. One clinical diagnostic laboratory has submitted clinical-significance assessments for this variant to ClinVar after 2014 as likely pathogenic. Based on the evidence outlined above, the variant was classified as likely pathogenic.

Laboratory of Diagnosis and Therapy of Lysosomal Disorders, University of Padova
Classification: Likely pathogenic for Mucopolysaccharidosis type 6. Last evaluated: 2018-01-01. Review status: criteria provided, single submitter. Criteria: ACMG Guidelines, 2015. Collection method: curation. Allele origin: germline. Affected: yes.
Comment: Splicing variant in canonical site (PVS1); Absent from GnomAD (PM2)

Literature cited by the submitters: PubMed 17161971 (cited by Women's Health and Genetics/Laboratory Corporation of America, LabCorp and Laboratory of Diagnosis and Therapy of Lysosomal Disorders, University of Padova); PubMed 30118150 (cited by Laboratory of Diagnosis and Therapy of Lysosomal Disorders, University of Padova).